The following is an entry in ClinVar:

NM_004380.3(CREBBP):c.2264G>A (p.Ser755Asn)

Gene: CREBBP (CREB binding lysine acetyltransferase; minus strand). Cytogenetic location: 16p13.3.
Variant type: single nucleotide variant.
Coding change: c.2264G>A on transcript NM_004380.3 (MANE Select); coding-DNA position 2264, G replaced by A.
Protein change: p.Ser755Asn; replaces serine 755 with asparagine.
Molecular consequence: missense variant.
Genome position (GRCh38, 1-based): chr16:3,774,588, C>T on the plus strand (G>A on the coding strand, the complement: CREBBP is on the minus strand). VCF-style: chr16-3774588-C-T. GRCh37 (hg19) VCF-style: chr16-3824589-C-T.
Other names: c.2264G>A (NM_004380.2); c.2150G>A, p.Ser717Asn (NM_001079846.1); short protein forms S717N, S755N.
Identifiers: ClinVar variation 1901140 (VCV001901140.7), dbSNP rs376103794, ClinGen allele CA7870204.

ClinVar aggregate classification (germline): Conflicting classifications of pathogenicity. Review status: criteria provided, conflicting classifications (1 of 4 stars). 3 submissions from 3 submitters: Uncertain significance (2); Benign (1). Last evaluated 2026-02-18.

Conditions:
Rubinstein-Taybi syndrome due to CREBBP mutations (RSTS1). Also called: CREBBP-Related Rubinstein-Taybi Syndrome; Rubinstein-Taybi syndrome 1; BROAD THUMBS AND GREAT TOES, CHARACTERISTIC FACIES, AND IMPAIRED INTELLECTUAL DEVELOPMENT; RUBINSTEIN SYNDROME; RUBINSTEIN-TAYBI SYNDROME 1, INCOMPLETE; BROAD THUMB-HALLUX SYNDROME. Identifiers: Orphanet 353277, Orphanet 783, MedGen C4551859, MONDO:0008393, OMIM 180849.
Menke-Hennekam syndrome 1 (MKHK1). Identifiers: MedGen C5193034, MONDO:0020763, OMIM 618332.
Rubinstein-Taybi syndrome (RSTS). Identifiers: Orphanet 783, MedGen C0035934, MONDO:0019188.
CREBBP-related disorder. Also called: CREBBP-related condition; CREBBP-related disorders.

Allele frequency attached by ClinVar (database versions not stated): gnomAD exomes below 0.00001; ExAC 0.00001; gnomAD 0.00005; TOPMed 0.00006; ESP Exome Variant Server 0.00008.
gnomAD v4.1: 12 of 1,614,084 alleles (0.00074%); highest among the groups gnomAD compares: African/African-American, 0.015%; no homozygotes.

Submissions (3):

PreventionGenetics, part of Exact Sciences
Classification: Uncertain significance for CREBBP-related condition. Last evaluated: 2026-02-18. Review status: criteria provided, single submitter. Criteria: ACMG Guidelines, 2015. Collection method: clinical testing. Allele origin: germline.
Comment: The CREBBP c.2264G>A variant is predicted to result in the amino acid substitution p.Ser755Asn. To our knowledge, this variant has not been reported in the literature. This variant is reported in 0.016% of alleles in individuals of African descent in gnomAD. Although we suspect that this variant may be benign, at this time, the clinical significance of this variant is uncertain due to the absence of conclusive functional and genetic evidence.

Fulgent Genetics
Classification: Uncertain significance for Rubinstein-Taybi syndrome due to CREBBP mutations; Menke-Hennekam syndrome 1. Last evaluated: 2024-03-08. Review status: criteria provided, single submitter. Criteria: ACMG Guidelines, 2015. Collection method: clinical testing. Allele origin: germline.

Labcorp Genetics (formerly Invitae), Labcorp
Classification: Benign for Rubinstein-Taybi syndrome. Last evaluated: 2024-01-17. Review status: criteria provided, single submitter. Criteria: Invitae Variant Classification Sherloc (09022015). Collection method: clinical testing. Allele origin: germline.